The following is an entry in ClinVar:

ClinVar aggregate classification (germline): Uncertain significance (1 of 4 stars; one submission).

Conditions:
EGFR-related lung cancer (EGFR). Identifiers: MedGen CN130014.

Submission:

Labcorp Genetics (formerly Invitae), Labcorp
Classification: Uncertain significance for EGFR-related lung cancer. Last evaluated: 2023-03-30. Review status: criteria provided, single submitter. Criteria: Invitae Variant Classification Sherloc (09022015). Collection method: clinical testing. Allele origin: germline.
Comment: This sequence change replaces alanine, which is neutral and non-polar, with serine, which is neutral and polar, at codon 86 of the EGFR protein (p.Ala86Ser). This variant is not present in population databases (gnomAD no frequency). This variant has not been reported in the literature in individuals affected with EGFR-related conditions. Advanced modeling of protein sequence and biophysical properties (such as structural, functional, and spatial information, amino acid conservation, physicochemical variation, residue mobility, and thermodynamic stability) performed at Invitae indicates that this missense variant is not expected to disrupt EGFR protein function. In summary, the available evidence is currently insufficient to determine the role of this variant in disease. Therefore, it has been classified as a Variant of Uncertain Significance.

NM_005228.5(EGFR):c.256G>T (p.Ala86Ser)

Gene: EGFR (epidermal growth factor receptor; plus strand). Cytogenetic location: 7p11.2.
Variant type: single nucleotide variant.
Coding change: c.256G>T on transcript NM_005228.5 (MANE Select); coding-DNA position 256, G replaced by T.
Protein change: p.Ala86Ser; replaces alanine 86 with serine.
Molecular consequence: missense variant. On other transcripts: intron variant (1).
Genome position (GRCh38, 1-based): chr7:55,143,320, G>T. VCF-style: chr7-55143320-G-T. GRCh37 (hg19) VCF-style: chr7-55211013-G-T.
Other names: c.256G>T, p.Ala86Ser (NM_001346897.2, NM_001346898.2, NM_001346899.2 and 3 more transcripts); c.97G>T, p.Ala33Ser (NM_001346900.2); c.89-12510G>T (NM_001346941.2); short protein forms A86S, A33S.
Identifiers: ClinVar variation 2850852 (VCV002850852.3), dbSNP rs2128927193, ClinGen allele CA367575653.